The following is an entry in ClinVar:

ClinVar aggregate classification (germline): Pathogenic (1 of 4 stars; one submission).

Submission:

Labcorp Genetics (formerly Invitae), Labcorp
Classification: Pathogenic. Last evaluated: 2022-09-14. Review status: criteria provided, single submitter. Criteria: Invitae Variant Classification Sherloc (09022015). Collection method: clinical testing. Allele origin: germline.
Comment: For these reasons, this variant has been classified as Pathogenic. This variant has not been reported in the literature in individuals affected with DNAH9-related conditions. This variant is a gross deletion of the genomic region encompassing exon(s) 4-5 of the DNAH9 gene. This deletion is out-of-frame, and is expected to create a premature termination codon and result in an absent or disrupted protein product. Loss-of-function variants in DNAH9 are known to be pathogenic (PMID: 30471718).

Literature cited by the submitters: PubMed 30471718.

NC_000017.10:g.(?_11514947)_(11520959_?)del

Gene: DNAH9 (dynein axonemal heavy chain 9; plus strand). Cytogenetic location: 17p12.
Variant type: Deletion.
Identifiers: ClinVar variation 2424148 (VCV002424148.4).